The following is an entry in ClinVar:

NM_001723.7(DST):c.4011G>A (p.Val1337=)

Gene: DST (dystonin; minus strand). Cytogenetic location: 6p12.1.
Variant type: single nucleotide variant.
Coding change: c.4011G>A on transcript NM_001723.7 (MANE Plus Clinical); coding-DNA position 4011, G replaced by A.
Protein change: p.Val1337=; no amino-acid change (valine 1337 retained).
Molecular consequence: synonymous variant. On other transcripts: intron variant (10).
Genome position (GRCh38, 1-based): chr6:56,620,023, C>T on the plus strand (G>A on the coding strand, the complement: DST is on the minus strand). VCF-style: chr6-56620023-C-T. GRCh37 (hg19) VCF-style: chr6-56484821-C-T.
Other names: c.4830+4507G>A (NM_001144769.5); c.4929+4507G>A (NM_001374722.1, NM_001374736.1); c.4956+4507G>A (NM_001374734.1); c.4416+4507G>A (NM_001144770.2); c.4296+4507G>A (NM_001374730.1, NM_001386100.1, NM_183380.4 and 1 more transcripts); c.3318+4507G>A (NM_015548.5).
Identifiers: ClinVar variation 706032 (VCV000706032.12), dbSNP rs141839678, ClinGen allele CA3870614.
Genomic context (GRCh38, chr6:56,620,023, plus strand): 5'-GTCATGTTCTTGCTGGAGACCCGTTACTGCCCTGCATGATGTAGCCTGTGTGATCGGACA[C>T]ACTGGCAATGCATTTTCTCTACATGTATACTGAATTTCAGTTATTTTTCTTCTTGCTTCC-3'
Protein context (NP_001714.1, residues 1327-1347): QYTCRENALP[Val1337=]CPITQATSCR

ClinVar aggregate classification (germline): Benign. Review status: criteria provided, single submitter (1 of 4 stars). 2 submissions from 2 submitters: Benign (1). 1 of the submissions does not count toward it. Last evaluated 2025-12-28.

Conditions:
Hereditary sensory and autonomic neuropathy type 6. Also called: Neuropathy, hereditary sensory and autonomic, type VI; HSAN VI. Identifiers: Orphanet 314381, MedGen C3539003, MONDO:0013839, OMIM 614653.
Epidermolysis bullosa simplex 3, localized or generalized intermediate, with BP230 deficiency (EBS3). Also called: Epidermolysis bullosa simplex, autosomal recessive 2; Epidermolysis bullosa simplex due to BP230 deficiency. Identifiers: Orphanet 412181, MedGen C3809470, MONDO:0014180, OMIM 615425.
DST-related disorder. Also called: DST-related condition; DST-related disorders.

Allele frequency attached by ClinVar (database versions not stated): gnomAD exomes 0.00008 and 0.00023; ExAC 0.00028; 1000 Genomes Project 30x 0.00047; 1000 Genomes Project 0.00060; gnomAD 0.00075 and 0.00078; TOPMed 0.00084; ESP Exome Variant Server 0.00123.
gnomAD v4.1: 237 of 1,614,096 alleles (0.015%); highest among the groups gnomAD compares: African/African-American, 0.24%; no homozygotes.

Submissions (2):

Labcorp Genetics (formerly Invitae), Labcorp
Classification: Benign for Epidermolysis bullosa simplex 3, localized or generalized intermediate, with BP230 deficiency; Hereditary sensory and autonomic neuropathy type 6. Last evaluated: 2025-12-28. Review status: criteria provided, single submitter. Criteria: Invitae Variant Classification Sherloc (09022015). Collection method: clinical testing. Allele origin: germline.

PreventionGenetics, part of Exact Sciences
Classification: Likely benign for DST-related condition. Last evaluated: 2024-06-26. Review status: no assertion criteria provided. Collection method: clinical testing. Allele origin: germline. Not counted in ClinVar's aggregate classification.
Comment: This variant is classified as likely benign based on ACMG/AMP sequence variant interpretation guidelines (Richards et al. 2015 PMID: 25741868, with internal and published modifications).